The following is an entry in ClinVar:

ClinVar aggregate classification (germline): Conflicting classifications of pathogenicity. Review status: criteria provided, conflicting classifications (1 of 4 stars). 5 submissions from 5 submitters: Likely pathogenic (2); Uncertain significance (3). Last evaluated 2025-09-07.

Conditions:
Infantile neuroaxonal dystrophy (NBIA2A). Also called: NEURODEGENERATION WITH BRAIN IRON ACCUMULATION 2A; SEITELBERGER DISEASE; Infantile neuroaxonal dystrophy 1. Identifiers: Orphanet 35069, MedGen C0270724, MONDO:0024457, OMIM 256600.
Autosomal recessive Parkinson disease 14. Also called: DYSTONIA-PARKINSONISM, ADULT-ONSET; PARKINSON DISEASE 14. Identifiers: Orphanet 199351, MedGen C2751842, MONDO:0013060, OMIM 612953.
Neurodegeneration with brain iron accumulation 2B. Also called: NEUROAXONAL DYSTROPHY, ATYPICAL; NEURODEGENERATION WITH BRAIN IRON ACCUMULATION, PLA2G6-RELATED; aNAD; atypical Neuroaxonal Dystrophy (aNAD). Identifiers: Orphanet 35069, MedGen C1857747, MONDO:0012444, OMIM 610217.

Allele frequency attached by ClinVar (database versions not stated): gnomAD exomes 0.00006 and 0.00005; ExAC 0.00006; ESP Exome Variant Server 0.00024; TOPMed 0.00013; gnomAD 0.00014 and 0.00016.
gnomAD v4.1: 98 of 1,553,982 alleles (0.0063%); highest among the groups gnomAD compares: African/African-American, 0.06%; no homozygotes.

Submissions (5):

GeneDx
Classification: Likely pathogenic. Last evaluated: 2025-09-07. Review status: criteria provided, single submitter. Criteria: GeneDx Variant Classification Process June 2021. Collection method: clinical testing. Allele origin: germline. Affected: yes.
Comment: In silico analysis supports that this missense variant has a deleterious effect on protein structure/function; Has not been previously published as pathogenic or benign to our knowledge

First Genomix Gene Laboratory, Genetic Diagnostics Department
Classification: Likely pathogenic for Infantile neuroaxonal dystrophy; Neurodegeneration with brain iron accumulation 2B; Autosomal recessive Parkinson disease 14. Last evaluated: 2025-09-02. Review status: criteria provided, single submitter. Criteria: ACMG Guidelines, 2015. Collection method: clinical testing. Allele origin: germline. Inheritance: Autosomal recessive inheritance. Affected: no. Observed: 1 variant allele.

Mayo Clinic Laboratories, Mayo Clinic
Classification: Uncertain significance. Last evaluated: 2025-05-04. Review status: criteria provided, single submitter. Criteria: ACMG Guidelines, 2015. Collection method: clinical testing. Allele origin: germline. Observed: 1 variant allele.
Comment: PP3_moderate

Labcorp Genetics (formerly Invitae), Labcorp
Classification: Uncertain significance for Infantile neuroaxonal dystrophy. Last evaluated: 2022-08-23. Review status: criteria provided, single submitter. Criteria: Invitae Variant Classification Sherloc (09022015). Collection method: clinical testing. Allele origin: germline.
Comment: This sequence change replaces arginine, which is basic and polar, with glutamine, which is neutral and polar, at codon 745 of the PLA2G6 protein (p.Arg745Gln). This variant is present in population databases (rs368514303, gnomAD 0.09%). This variant has not been reported in the literature in individuals affected with PLA2G6-related conditions. ClinVar contains an entry for this variant (Variation ID: 1313931). Advanced modeling of protein sequence and biophysical properties (such as structural, functional, and spatial information, amino acid conservation, physicochemical variation, residue mobility, and thermodynamic stability) performed at Invitae indicates that this missense variant is expected to disrupt PLA2G6 protein function. Algorithms developed to predict the effect of sequence changes on RNA splicing suggest that this variant may create or strengthen a splice site. In summary, the available evidence is currently insufficient to determine the role of this variant in disease. Therefore, it has been classified as a Variant of Uncertain Significance.

Fulgent Genetics
Classification: Uncertain significance for Infantile neuroaxonal dystrophy; Neurodegeneration with brain iron accumulation 2B; Autosomal recessive Parkinson disease 14. Last evaluated: 2022-03-18. Review status: criteria provided, single submitter. Criteria: ACMG Guidelines, 2015. Collection method: clinical testing. Allele origin: unknown.

NM_003560.4(PLA2G6):c.2234G>A (p.Arg745Gln)

Gene: PLA2G6 (phospholipase A2 group VI; minus strand). Cytogenetic location: 22q13.1.
Variant type: single nucleotide variant.
Coding change: c.2234G>A on transcript NM_003560.4 (MANE Select); coding-DNA position 2234, G replaced by A.
Protein change: p.Arg745Gln; replaces arginine 745 with glutamine.
Molecular consequence: missense variant.
Genome position (GRCh38, 1-based): chr22:38,112,546, C>T on the plus strand (G>A on the coding strand, the complement: PLA2G6 is on the minus strand). VCF-style: chr22-38112546-C-T. GRCh37 (hg19) VCF-style: chr22-38508553-C-T.
Other names: p.Arg745Gln; c.2072G>A, p.Arg691Gln (NM_001004426.3, NM_001199562.3, NM_001349865.2 and 1 more transcripts); c.2234G>A, p.Arg745Gln (NM_001349864.2); c.1700G>A, p.Arg567Gln (NM_001349867.2); c.1556G>A, p.Arg519Gln (NM_001349868.2); c.1538G>A, p.Arg513Gln (NM_001349869.2); short protein forms R513Q, R519Q, R567Q, R691Q, R745Q.
Identifiers: ClinVar variation 1313931 (VCV001313931.8), dbSNP rs368514303, ClinGen allele CA10230569.